The following is an entry in ClinVar:

NM_001693.4(ATP6V1B2):c.1140C>G (p.Asp380Glu)

Gene: ATP6V1B2 (ATPase H+ transporting V1 subunit B2; plus strand). Cytogenetic location: 8p21.3.
Variant type: single nucleotide variant.
Coding change: c.1140C>G on transcript NM_001693.4 (MANE Select); coding-DNA position 1140, C replaced by G.
Protein change: p.Asp380Glu; replaces aspartic acid 380 with glutamic acid.
Molecular consequence: missense variant.
Genome position (GRCh38, 1-based): chr8:20,216,474, C>G. VCF-style: chr8-20216474-C-G. GRCh37 (hg19) VCF-style: chr8-20073985-C-G.
Other names: short protein forms D380E.
Identifiers: ClinVar variation 2406587 (VCV002406587.10), dbSNP rs141260471, ClinGen allele CA4657064.

ClinVar aggregate classification (germline): Conflicting classifications of pathogenicity. Review status: criteria provided, conflicting classifications (1 of 4 stars). 3 submissions from 3 submitters: Uncertain significance (1); Likely benign (2). Last evaluated 2025-12-01.

Conditions:
Inborn genetic diseases. Identifiers: MedGen C0950123, MeSH D030342.

Allele frequency attached by ClinVar (database versions not stated): ExAC 0.00005; TOPMed 0.00005; gnomAD 0.00006; ESP Exome Variant Server 0.00015.
gnomAD v4.1: 78 of 1,613,196 alleles (0.0048%); highest among the groups gnomAD compares: Non-Finnish European, 0.0063%; no homozygotes.

Submissions (3):

CeGaT Center for Human Genetics Tuebingen
Classification: Likely benign. Last evaluated: 2025-12-01. Review status: criteria provided, single submitter. Criteria: CeGaT Center For Human Genetics Tuebingen Variant Classification Criteria Version 2. Collection method: clinical testing. Allele origin: germline. Affected: yes. Observed: 1 variant allele.
Comment: ATP6V1B2: BS2

Ambry Genetics
Classification: Likely benign for Inborn genetic diseases. Last evaluated: 2021-12-17. Review status: criteria provided, single submitter. Criteria: Ambry Variant Classification Scheme 2023. Collection method: clinical testing. Allele origin: germline.

Revvity Omics, Revvity
Classification: Uncertain significance. Last evaluated: 2019-05-08. Review status: criteria provided, single submitter. Criteria: ACMG Guidelines, 2015. Collection method: clinical testing. Allele origin: germline.